The following is an entry in ClinVar:

NM_032119.4(ADGRV1):c.10075G>T (p.Glu3359Ter)

Gene: ADGRV1 (adhesion G protein-coupled receptor V1; plus strand). Cytogenetic location: 5q14.3.
Variant type: single nucleotide variant.
Coding change: c.10075G>T on transcript NM_032119.4 (MANE Select); coding-DNA position 10075, G replaced by T.
Protein change: p.Glu3359Ter; replaces glutamic acid 3359 with a stop codon.
Molecular consequence: nonsense. On other transcripts: non-coding transcript variant (1).
Genome position (GRCh38, 1-based): chr5:90,725,570, G>T. VCF-style: chr5-90725570-G-T. GRCh37 (hg19) VCF-style: chr5-90021387-G-T.
Other names: short protein forms E3359*.
Identifiers: ClinVar variation 1878345 (VCV001878345.1), dbSNP rs1434051128, ClinGen allele CA360403206.
Genomic context (GRCh38, chr5:90,725,570, plus strand): 5'-ACTCTCCTTTAAGTTTTCATTCCCACTCTGTCCTTGCAGGTACAAACAATCATTATTCTG[G>T]AAAGTTCTCAAGTAAGATATTTTACTTCAGACAGCCAAGATTATTTAATCATTGCAAGTC-3'

ClinVar aggregate classification (germline): Likely pathogenic (1 of 4 stars; one submission).

Conditions:
Usher syndrome. Also called: Usher Syndromes; Usher's syndrome. Identifiers: Orphanet 886, MedGen CN469326, MeSH D052245, MONDO:0019501. Disease mechanism: loss of function.

gnomAD v4.1: 1 of 1,564,790 alleles (0.000064%); highest among the groups gnomAD compares: Non-Finnish European, 0.000088%; no homozygotes.

Submission:

Women's Health and Genetics/Laboratory Corporation of America, LabCorp
Classification: Likely pathogenic for Retinitis pigmentosa-deafness syndrome. Last evaluated: 2022-12-19. Review status: criteria provided, single submitter. Criteria: LabCorp Variant Classification Summary - May 2015. Collection method: clinical testing. Allele origin: germline.
Comment: Variant summary: ADGRV1 c.10075G>T (p.Glu3359X) results in a premature termination codon, predicted to cause a truncation of the encoded protein or absence of the protein due to nonsense mediated decay, which are commonly known mechanisms for disease. Truncations downstream of this position have been classified as pathogenic in ClinVar and are associated with Usher syndrome in HGMD. The variant allele was found at a frequency of 4e-06 in 247922 control chromosomes. To our knowledge, no occurrence of c.10075G>T in individuals affected with Usher Syndrome and no experimental evidence demonstrating its impact on protein function have been reported. No clinical diagnostic laboratories have submitted clinical-significance assessments for this variant to ClinVar after 2014. Based on the evidence outlined above, the variant was classified as likely pathogenic.